The following is an entry in ClinVar:

NM_021067.5(GINS1):c.331-3C>T

Gene: GINS1 (GINS complex subunit 1; plus strand). Cytogenetic location: 20p11.21.
Variant type: single nucleotide variant.
Coding change: c.331-3C>T on transcript NM_021067.5 (MANE Select); 3 bases into the intron before coding-DNA position 331, C replaced by T.
Molecular consequence: intron variant.
Genome position (GRCh38, 1-based): chr20:25,425,208, C>T. VCF-style: chr20-25425208-C-T. GRCh37 (hg19) VCF-style: chr20-25405844-C-T.
Identifiers: ClinVar variation 1415475 (VCV001415475.6), dbSNP rs2090383815, ClinGen allele CA2356863543.
Genomic context (GRCh38, chr20:25,425,208, plus strand): 5'-ATGATATTCAGTGTGTGCAAGTTTTCTTAGAATTTTGTCAAATGATCATCTCTATGTTTG[C>T]AGATGGAGTGGTTTAATAATTATAAAAGATCTCTTGCTACTTATATGAGGTCACTGGGAG-3'

ClinVar aggregate classification (germline): Uncertain significance (1 of 4 stars; one submission).

Allele frequency attached by ClinVar (database versions not stated): TOPMed below 0.00001.

Submission:

Labcorp Genetics (formerly Invitae), Labcorp
Classification: Uncertain significance. Last evaluated: 2024-09-02. Review status: criteria provided, single submitter. Criteria: Invitae Variant Classification Sherloc (09022015). Collection method: clinical testing. Allele origin: germline.
Comment: This sequence change falls in intron 4 of the GINS1 gene. It does not directly change the encoded amino acid sequence of the GINS1 protein. It affects a nucleotide within the consensus splice site. This variant is not present in population databases (gnomAD no frequency). This variant has not been reported in the literature in individuals affected with GINS1-related conditions. ClinVar contains an entry for this variant (Variation ID: 1415475). Variants that disrupt the consensus splice site are a relatively common cause of aberrant splicing (PMID: 17576681, 9536098). Algorithms developed to predict the effect of sequence changes on RNA splicing suggest that this variant may disrupt the consensus splice site. In summary, the available evidence is currently insufficient to determine the role of this variant in disease. Therefore, it has been classified as a Variant of Uncertain Significance.

Literature cited by the submitters: PubMed 17576681; PubMed 9536098.